The following is an entry in ClinVar:

ClinVar aggregate classification (germline): Likely benign. Review status: criteria provided, multiple submitters, no conflicts (2 of 4 stars). 2 submissions from 2 submitters: Likely benign (2). Last evaluated 2025-06-24.

Conditions:
Bardet-Biedl syndrome (BBS). Identifiers: Orphanet 110, MedGen C0752166, MONDO:0015229.
BBS4-related disorder. Also called: BBS4-related condition.

Allele frequency attached by ClinVar (database versions not stated): gnomAD exomes below 0.00001; TOPMed below 0.00001; gnomAD 0.00001.
gnomAD v4.1: 3 of 1,565,810 alleles (0.00019%); highest among the groups gnomAD compares: Non-Finnish European, 0.00026%; no homozygotes.

Submissions (2):

PreventionGenetics, part of Exact Sciences
Classification: Likely benign for BBS4-related condition. Last evaluated: 2025-06-24. Review status: criteria provided, single submitter. Criteria: ACMG Guidelines, 2015. Collection method: clinical testing. Allele origin: germline.
Comment: This variant is classified as likely benign based on ACMG/AMP sequence variant interpretation guidelines (Richards et al. 2015 PMID: 25741868, with internal and published modifications).

Labcorp Genetics (formerly Invitae), Labcorp
Classification: Likely benign for Bardet-Biedl syndrome. Last evaluated: 2025-06-03. Review status: criteria provided, single submitter. Criteria: Invitae Variant Classification Sherloc (09022015). Collection method: clinical testing. Allele origin: germline.

NM_033028.5(BBS4):c.9G>A (p.Glu3=)

Gene: BBS4 (Bardet-Biedl syndrome 4; plus strand). Cytogenetic location: 15q24.1.
Variant type: single nucleotide variant.
Coding change: c.9G>A on transcript NM_033028.5 (MANE Select); coding-DNA position 9, G replaced by A.
Protein change: p.Glu3=; no amino-acid change (glutamic acid 3 retained).
Molecular consequence: synonymous variant. On other transcripts: 5 prime UTR variant (1), non-coding transcript variant (2).
Genome position (GRCh38, 1-based): chr15:72,686,236, G>A. VCF-style: chr15-72686236-G-A. GRCh37 (hg19) VCF-style: chr15-72978577-G-A.
Other names: c.-461G>A (NM_001252678.2); c.9G>A, p.Glu3= (NM_001320665.2); c.9G>A (NM_033028.4).
Identifiers: ClinVar variation 2916566 (VCV002916566.4), dbSNP rs1313222448, ClinGen allele CA491118666.